The following is an entry in ClinVar:

NM_000051.4(ATM):c.8318C>T (p.Thr2773Ile)

Genes: ATM (ATM serine/threonine kinase; plus strand), C11orf65 (chromosome 11 open reading frame 65; minus strand). Cytogenetic location: 11q22.3.
Variant type: single nucleotide variant.
Coding change: c.8318C>T on transcript NM_000051.4 (MANE Select); coding-DNA position 8318, C replaced by T.
Protein change: p.Thr2773Ile; replaces threonine 2773 with isoleucine.
Molecular consequence: missense variant. On other transcripts: intron variant (2).
Genome position (GRCh38, 1-based): chr11:108,343,271, C>T. VCF-style: chr11-108343271-C-T. GRCh37 (hg19) VCF-style: chr11-108213998-C-T.
Other names: c.8318C>T, p.Thr2773Ile (NM_001351834.2); c.641-34200G>A (NM_001330368.2); c.695-7979G>A (NM_001351110.2); short protein forms T2773I.
Identifiers: ClinVar variation 822289 (VCV000822289.26), dbSNP rs786203321, ClinGen allele CA382516378.
Genomic context (GRCh38, chr11:108,343,271, plus strand): 5'-TGTAACTCCAGGTGGTTCCCCTCTCTCAGCGAAGTGGTGTTCTTGAATGGTGCACAGGAA[C>T]TGTCCCCATTGGTGAATTTCTTGTTAACAATGAAGATGGTGCTCATAAAAGATACAGGCC-3'
Protein context (NP_000042.3, residues 2763-2783): RSGVLEWCTG[Thr2773Ile]VPIGEFLVNN

ClinVar aggregate classification (germline): Uncertain significance. Review status: criteria provided, multiple submitters, no conflicts (2 of 4 stars). 3 submissions from 3 submitters: Uncertain significance (2). 1 of the submissions does not count toward it. Last evaluated 2025-04-13.

Conditions:
Hereditary cancer-predisposing syndrome. Also called: Tumor predisposition; Neoplastic Syndromes, Hereditary; Hereditary Cancer Syndrome; Hereditary neoplastic syndrome. Identifiers: Orphanet 140162, MedGen C0027672, MeSH D009386, MONDO:0015356.
Ataxia-telangiectasia syndrome (AT). Also called: ATAXIA-TELANGIECTASIA, COMPLEMENTATION GROUP A; ATAXIA-TELANGIECTASIA, FRESNO VARIANT; Ataxia-telangiectasia; Ataxia-telangiectasia, complementation group D; AT, COMPLEMENTATION GROUP C; Ataxia-telangiectasia, complementation group E. Identifiers: Orphanet 100, MedGen C0004135, MONDO:0008840, OMIM 208900.

Allele frequency attached by ClinVar (database versions not stated): gnomAD exomes below 0.00001.
gnomAD v4.1: 1 of 1,614,024 alleles (0.000062%); highest among the groups gnomAD compares: Non-Finnish European, 0.000085%; no homozygotes.

Submissions (3):

Labcorp Genetics (formerly Invitae), Labcorp
Classification: Uncertain significance for Ataxia-telangiectasia syndrome. Last evaluated: 2025-04-13. Review status: criteria provided, single submitter. Criteria: Invitae Variant Classification Sherloc (09022015). Collection method: clinical testing. Allele origin: germline.
Comment: This sequence change replaces threonine, which is neutral and polar, with isoleucine, which is neutral and non-polar, at codon 2773 of the ATM protein (p.Thr2773Ile). This variant is present in population databases (no rsID available, gnomAD 0.0009%). This variant has not been reported in the literature in individuals affected with ATM-related conditions. ClinVar contains an entry for this variant (Variation ID: 822289). Invitae Evidence Modeling of protein sequence and biophysical properties (such as structural, functional, and spatial information, amino acid conservation, physicochemical variation, residue mobility, and thermodynamic stability) indicates that this missense variant is expected to disrupt ATM protein function with a positive predictive value of 95%. In summary, the available evidence is currently insufficient to determine the role of this variant in disease. Therefore, it has been classified as a Variant of Uncertain Significance.

Ambry Genetics
Classification: Uncertain significance for Hereditary cancer-predisposing syndrome. Last evaluated: 2024-03-25. Review status: criteria provided, single submitter. Criteria: Ambry Variant Classification Scheme 2023. Collection method: clinical testing. Allele origin: germline.
Comment: The p.T2773I variant (also known as c.8318C>T), located in coding exon 56 of the ATM gene, results from a C to T substitution at nucleotide position 8318. The threonine at codon 2773 is replaced by isoleucine, an amino acid with similar properties. This amino acid position is highly conserved in available vertebrate species. In addition, this alteration is predicted to be deleterious by in silico analysis. Since supporting evidence is limited at this time, the clinical significance of this alteration remains unclear.

Natera, Inc.
Classification: Uncertain significance for Ataxia-telangiectasia. Last evaluated: 2020-09-22. Review status: no assertion criteria provided. Collection method: clinical testing. Allele origin: germline. Not counted in ClinVar's aggregate classification.